The following is an entry in ClinVar:

NM_001378615.1(CC2D2A):c.941_943delinsC (p.Leu314fs)

Genes: CC2D2A (coiled-coil and C2 domain containing 2A; plus strand), FBXL5 (F-box and leucine rich repeat protein 5; minus strand). Cytogenetic location: 4p15.32.
Variant type: Indel.
Coding change: c.941_943delinsC on transcript NM_001378615.1 (MANE Select); coding-DNA positions 941 to 943, TTT replaced by C.
Protein change: p.Leu314fs; shifts the reading frame from leucine 314.
Molecular consequence: frameshift variant.
Genome position (GRCh38, 1-based): chr4:15,515,928-15,515,930, TTT replaced by C. VCF-style: chr4-15515928-TTT-C. GRCh37 (hg19) VCF-style: chr4-15517551-TTT-C.
Other names: c.941_943delinsC, p.Leu314fs (NM_001080522.2); c.794_796delinsC, p.Leu265fs (NM_001378617.1); short protein forms L314fs, L265fs.
Identifiers: ClinVar variation 967003 (VCV000967003.7), dbSNP rs1445978091, ClinGen allele CA1139658446.
Genomic context (GRCh38, chr4:15,515,928, plus strand): 5'-TCCCTACATATAAAAAGCTTCCTGAGAATGTACAGCCCAGGTTCCTGGAAGATGAAGGCC[TTT>C]ACACCGGGGTAAGACCAGAGGTGGCACGCACCAATCAGAACATCATGGAGAACAGATTGC-3'

ClinVar aggregate classification (germline): Pathogenic. Review status: criteria provided, multiple submitters, no conflicts (2 of 4 stars). 2 submissions from 2 submitters: Pathogenic (2). Last evaluated 2024-06-10.

Conditions:
Meckel-Gruber syndrome. Also called: Dysencephalia splachnocystica; DYSENCEPHALIA SPLANCHNOCYSTICA; GRUBER SYNDROME. Identifiers: Orphanet 564, MedGen C0265215, MONDO:0018921.
Joubert syndrome. Also called: Familial aplasia of the vermis; JOUBERT-BOLTSHAUSER SYNDROME. Identifiers: Orphanet 475, MedGen C5979921, MONDO:0018772.
Joubert syndrome and related disorders. Identifiers: Orphanet 140874, MedGen C5679612, MONDO:0015369.

Submissions (2):

Myriad Genetics, Inc.
Classification: Pathogenic for Joubert syndrome and related disorders. Last evaluated: 2024-06-10. Review status: criteria provided, single submitter. Criteria: Myriad Autosomal Dominant, Autosomal Recessive and X-Linked Classification Criteria (2023). Collection method: clinical testing. Allele origin: unknown.
Comment: NM_001080522.2(CC2D2A):c.941_943delTTTinsC(L314Pfs*33) is expected to be pathogenic in the context of CC2D2A-related disorders. This variant is predicted to lead to an abnormal or absent protein product due to the creation of a premature termination codon in CC2D2A, a gene where loss-of-function variants are known to be pathogenic. Please note: this variant was assessed in the context of healthy population screening.

Labcorp Genetics (formerly Invitae), Labcorp
Classification: Pathogenic for Joubert syndrome; Meckel-Gruber syndrome. Last evaluated: 2024-02-24. Review status: criteria provided, single submitter. Criteria: Invitae Variant Classification Sherloc (09022015). Collection method: clinical testing. Allele origin: germline.
Comment: This sequence change creates a premature translational stop signal (p.Leu314Profs*33) in the CC2D2A gene. It is expected to result in an absent or disrupted protein product. Loss-of-function variants in CC2D2A are known to be pathogenic (PMID: 19777577). This variant is present in population databases (no rsID available, gnomAD 0.001%). This variant has not been reported in the literature in individuals affected with CC2D2A-related conditions. For these reasons, this variant has been classified as Pathogenic.

Literature cited by the submitters: PubMed 19777577 (cited by Labcorp Genetics (formerly Invitae), Labcorp).